The following is an entry in ClinVar:

ClinVar aggregate classification (germline): Uncertain significance (1 of 4 stars; one submission).

Submission:

Ambry Genetics
Classification: Uncertain significance. Last evaluated: 2025-12-19. Review status: criteria provided, single submitter. Criteria: Ambry Variant Classification Scheme 2023. Collection method: clinical testing. Allele origin: germline.
Comment: The c.79_85dupGGGCACC variant, located in coding exon 1 of the ATRIP gene, results from a duplication of GGGCACC at nucleotide position 79, causing a translational frameshift with a predicted alternate stop codon (p.P29Rfs*20). The evidence for this gene-disease relationship is limited; therefore, the clinical significance of this alteration is unclear.

NM_130384.3(ATRIP):c.79_85dup (p.Pro29fs)

Genes: ATRIP (ATR interacting protein; plus strand), ATRIP-TREX1 (ATRIP-TREX1 readthrough; plus strand), LOC129936703 (ATAC-STARR-seq lymphoblastoid silent region 14331; plus strand). Cytogenetic location: 3p21.31.
Variant type: Microsatellite.
Coding change: c.79_85dup on transcript NM_130384.3 (MANE Select); coding-DNA positions 79 to 85, 7 bases duplicated (GGGCACC; older notation c.79_85dupGGGCACC).
Protein change: p.Pro29fs; shifts the reading frame from proline 29.
Molecular consequence: frameshift variant. On other transcripts: non-coding transcript variant (1), intron variant (1).
Genome position (GRCh38, 1-based): chr3:48,446,924-48,446,930, GGGCACC duplicated; duplicating any 7 consecutive bases within chr3:48,446,915-48,446,930 gives the same sequence; the c. name uses the placement nearest the transcript's 3' end. VCF-style (leftmost placement, unchanged base first): chr3-48446914-G-GCCGGGCA. GRCh37 (hg19) VCF-style: chr3-48488318-G-GCCGGGCA.
Other names: c.79_85dup, p.Pro29fs (NM_032166.4); c.-218+116CCGGGCA[3] (NM_001271022.2); short protein forms P29fs.
Identifiers: ClinVar variation 4842155 (VCV004842155.1).
Genomic context (GRCh38, chr3:48,446,914, plus strand): 5'-GACCTCCGCGCCAGGCAGCAAGAGGCGGAGCGAGCCCCCGGCGCCTCGCCCCGGCCCGCC[G>GCCGGGCA]CCGGGCACCGGGCACCCCCCGAGCAAGCGGGCCCGGGGCTTCTCCGCAGCCGCTGCCCCG-3'